The following is an entry in ClinVar:

NM_020975.6(RET):c.907G>A (p.Val303Met)

Gene: RET (ret proto-oncogene; plus strand). Cytogenetic location: 10q11.21.
Variant type: single nucleotide variant.
Coding change: c.907G>A on transcript NM_020975.6 (MANE Select); coding-DNA position 907, G replaced by A.
Protein change: p.Val303Met; replaces valine 303 with methionine.
Molecular consequence: missense variant.
Genome position (GRCh38, 1-based): chr10:43,106,415, G>A. VCF-style: chr10-43106415-G-A. GRCh37 (hg19) VCF-style: chr10-43601863-G-A.
Other names: c.907G>A, p.Val303Met (NM_000323.2, NM_001406743.1, NM_001406744.1 and 6 more transcripts); c.145G>A, p.Val49Met (NM_001355216.2); c.778G>A, p.Val260Met (NM_001406761.1, NM_001406762.1, NM_001406764.1 and 1 more transcripts); c.619G>A, p.Val207Met (NM_001406766.1, NM_001406767.1, NM_001406770.1); short protein forms V303M, V49M, V260M, V207M.
Identifiers: ClinVar variation 657691 (VCV000657691.14), dbSNP rs1588867164, ClinGen allele CA376545827.

ClinVar aggregate classification (germline): Uncertain significance. Review status: criteria provided, multiple submitters, no conflicts (2 of 4 stars). 2 submissions from 2 submitters: Uncertain significance (2). Last evaluated 2025-08-07.

Conditions:
Hereditary cancer-predisposing syndrome. Also called: Hereditary neoplastic syndrome; Neoplastic Syndromes, Hereditary; Hereditary Cancer Syndrome; Tumor predisposition. Identifiers: Orphanet 140162, MedGen C0027672, MeSH D009386, MONDO:0015356.
Multiple endocrine neoplasia, type 2 (MEN2). Identifiers: Orphanet 653, MedGen C4048306, MONDO:0019003. Disease mechanism: gain of function.

Allele frequency attached by ClinVar (database versions not stated): gnomAD exomes below 0.00001.

Submissions (2):

Labcorp Genetics (formerly Invitae), Labcorp
Classification: Uncertain significance for Multiple endocrine neoplasia, type 2. Last evaluated: 2025-08-07. Review status: criteria provided, single submitter. Criteria: Invitae Variant Classification Sherloc (09022015). Collection method: clinical testing. Allele origin: germline.
Comment: This sequence change replaces valine, which is neutral and non-polar, with methionine, which is neutral and non-polar, at codon 303 of the RET protein (p.Val303Met). This variant is not present in population databases (gnomAD no frequency). This variant has not been reported in the literature in individuals affected with RET-related conditions. ClinVar contains an entry for this variant (Variation ID: 657691). An algorithm developed to predict the effect of missense changes on protein structure and function (PolyPhen-2) suggests that this variant is likely to be disruptive. In summary, the available evidence is currently insufficient to determine the role of this variant in disease. Therefore, it has been classified as a Variant of Uncertain Significance.

Ambry Genetics
Classification: Uncertain significance for Hereditary cancer-predisposing syndrome. Last evaluated: 2025-02-03. Review status: criteria provided, single submitter. Criteria: Ambry Variant Classification Scheme 2023. Collection method: clinical testing. Allele origin: germline.
Comment: The p.V303M variant (also known as c.907G>A), located in coding exon 5 of the RET gene, results from a G to A substitution at nucleotide position 907. The valine at codon 303 is replaced by methionine, an amino acid with highly similar properties. This amino acid position is conserved. In addition, this alteration is predicted to be tolerated by in silico analysis. Since supporting evidence is limited at this time, the clinical significance of this alteration remains unclear.